The following is an entry in ClinVar:

ClinVar aggregate classification (germline): Uncertain significance. Review status: criteria provided, multiple submitters, no conflicts (2 of 4 stars). 2 submissions from 2 submitters: Uncertain significance (2). Last evaluated 2025-12-17.

Allele frequency attached by ClinVar (database versions not stated): gnomAD 0.00003; gnomAD exomes 0.00007; TOPMed 0.00009; ExAC 0.00019; 1000 Genomes Project 0.00040; 1000 Genomes Project 30x 0.00078.
gnomAD v4.1: 49 of 1,613,868 alleles (0.003%); highest among the groups gnomAD compares: Admixed American, 0.077%; 1 homozygote.

Submissions (2):

Labcorp Genetics (formerly Invitae), Labcorp
Classification: Uncertain significance. Last evaluated: 2025-12-17. Review status: criteria provided, single submitter. Criteria: Invitae Variant Classification Sherloc (09022015). Collection method: clinical testing. Allele origin: germline.
Comment: This sequence change replaces valine, which is neutral and non-polar, with alanine, which is neutral and non-polar, at codon 461 of the TNS2 protein (p.Val461Ala). This variant is present in population databases (rs199587015, gnomAD 0.1%), and has an allele count higher than expected for a pathogenic variant. This variant has not been reported in the literature in individuals affected with TNS2-related conditions. ClinVar contains an entry for this variant (Variation ID: 2164215). An algorithm developed to predict the effect of missense changes on protein structure and function (PolyPhen-2) suggests that this variant is likely to be disruptive. In summary, the available evidence is currently insufficient to determine the role of this variant in disease. Therefore, it has been classified as a Variant of Uncertain Significance.

Ambry Genetics
Classification: Uncertain significance. Last evaluated: 2025-07-31. Review status: criteria provided, single submitter. Criteria: Ambry Variant Classification Scheme 2023. Collection method: clinical testing. Allele origin: germline.

NM_170754.4(TNS2):c.1352T>C (p.Val451Ala)

Gene: TNS2 (tensin 2; plus strand). Cytogenetic location: 12q13.13.
Variant type: single nucleotide variant.
Coding change: c.1352T>C on transcript NM_170754.4 (MANE Select); coding-DNA position 1352, T replaced by C.
Protein change: p.Val451Ala; replaces valine 451 with alanine.
Molecular consequence: missense variant.
Genome position (GRCh38, 1-based): chr12:53,058,774, T>C. VCF-style: chr12-53058774-T-C. GRCh37 (hg19) VCF-style: chr12-53452558-T-C.
Other names: c.1352T>C, p.Val451Ala (NM_001416202.1, NM_001416204.1); c.1283T>C, p.Val428Ala (NM_001416203.1, NM_015319.3); c.980T>C, p.Val327Ala (NM_198316.2); short protein forms V461A, V451A, V327A, V428A.
Identifiers: ClinVar variation 2164215 (VCV002164215.5), dbSNP rs199587015, ClinGen allele CA6592300.